The following is an entry in ClinVar:

NM_022124.6(CDH23):c.7319G>A (p.Ser2440Asn)

Gene: CDH23 (cadherin related 23; plus strand). Cytogenetic location: 10q22.1.
Variant type: single nucleotide variant.
Coding change: c.7319G>A on transcript NM_022124.6 (MANE Select); coding-DNA position 7319, G replaced by A.
Protein change: p.Ser2440Asn; replaces serine 2440 with asparagine.
Molecular consequence: missense variant.
Genome position (GRCh38, 1-based): chr10:71,799,586, G>A. VCF-style: chr10-71799586-G-A. GRCh37 (hg19) VCF-style: chr10-73559343-G-A.
Other names: c.599G>A, p.Ser200Asn (NM_001171933.1, NM_001171934.1); short protein forms S2440N, S200N.
Identifiers: ClinVar variation 2122183 (VCV002122183.1), dbSNP rs1841499484, ClinGen allele CA377159566.

ClinVar aggregate classification (germline): Uncertain significance (1 of 4 stars; one submission).

Allele frequency attached by ClinVar (database versions not stated): TOPMed below 0.00001.

Submission:

Labcorp Genetics (formerly Invitae), Labcorp
Classification: Uncertain significance. Last evaluated: 2022-10-24. Review status: criteria provided, single submitter. Criteria: Invitae Variant Classification Sherloc (09022015). Collection method: clinical testing. Allele origin: germline.
Comment: This sequence change replaces serine, which is neutral and polar, with asparagine, which is neutral and polar, at codon 2440 of the CDH23 protein (p.Ser2440Asn). This variant is not present in population databases (gnomAD no frequency). This variant has not been reported in the literature in individuals affected with CDH23-related conditions. Advanced modeling of protein sequence and biophysical properties (such as structural, functional, and spatial information, amino acid conservation, physicochemical variation, residue mobility, and thermodynamic stability) performed at Invitae indicates that this missense variant is not expected to disrupt CDH23 protein function. In summary, the available evidence is currently insufficient to determine the role of this variant in disease. Therefore, it has been classified as a Variant of Uncertain Significance.